The following is an entry in ClinVar:

NM_001017995.3(SH3PXD2B):c.1291G>A (p.Ala431Thr)

Gene: SH3PXD2B (SH3 and PX domains 2B; minus strand). Cytogenetic location: 5q35.1.
Variant type: single nucleotide variant.
Coding change: c.1291G>A on transcript NM_001017995.3 (MANE Select); coding-DNA position 1291, G replaced by A.
Protein change: p.Ala431Thr; replaces alanine 431 with threonine.
Molecular consequence: missense variant. On other transcripts: intron variant (1).
Genome position (GRCh38, 1-based): chr5:172,339,814, C>T on the plus strand (G>A on the coding strand, the complement: SH3PXD2B is on the minus strand). VCF-style: chr5-172339814-C-T. GRCh37 (hg19) VCF-style: chr5-171766818-C-T.
Other names: c.1188+6322G>A (NM_001308175.2); short protein forms A431T.
Identifiers: ClinVar variation 194189 (VCV000194189.15), dbSNP rs142779141, ClinGen allele CA240044.

ClinVar aggregate classification (germline): Uncertain significance. Review status: criteria provided, multiple submitters, no conflicts (2 of 4 stars). 6 submissions from 6 submitters: Uncertain significance (6). Last evaluated 2025-02-25.

Conditions:
SH3PXD2B-related disorder. Also called: SH3PXD2B-related condition.
Frank-Ter Haar syndrome. Also called: Borrone di Rocco Crovato syndrome; BORRONE DERMATOCARDIOSKELETAL SYNDROME; TER HAAR SYNDROME; MELNICK-NEEDLES SYNDROME, AUTOSOMAL RECESSIVE. Identifiers: Orphanet 1266, Orphanet 137834, MedGen C1855305, MONDO:0009579, OMIM 249420.

Allele frequency attached by ClinVar (database versions not stated): gnomAD exomes 0.00038; gnomAD 0.00041; TOPMed 0.00059; ESP Exome Variant Server 0.00092.
gnomAD v4.1: 1,158 of 1,613,842 alleles (0.072%); highest among the groups gnomAD compares: Non-Finnish European, 0.089%; 2 homozygotes.

Submissions (6):

PreventionGenetics, part of Exact Sciences
Classification: Uncertain significance for SH3PXD2B-related condition. Last evaluated: 2025-02-25. Review status: criteria provided, single submitter. Criteria: ACMG Guidelines, 2015. Collection method: clinical testing. Allele origin: germline.
Comment: The SH3PXD2B c.1291G>A variant is predicted to result in the amino acid substitution p.Ala431Thr. This variant was reported in an individual with Axenfeld-Rieger anomaly (Mao et al. 2012. PubMed ID: 22509100). This variant is reported in 0.067% of alleles in individuals of European (Non-Finnish) descent in gnomAD. Although we suspect that this variant may be benign, at this time, the clinical significance of this variant is uncertain due to the absence of conclusive functional and genetic evidence.

Blueprint Genetics
Classification: Uncertain significance. Last evaluated: 2024-10-18. Review status: criteria provided, single submitter. Criteria: ACMG Guidelines, 2015. Collection method: clinical testing. Allele origin: germline.

Women's Health and Genetics/Laboratory Corporation of America, LabCorp
Classification: Uncertain significance. Last evaluated: 2023-06-13. Review status: criteria provided, single submitter. Criteria: LabCorp Variant Classification Summary - May 2015. Collection method: clinical testing. Allele origin: germline.
Comment: Variant summary: SH3PXD2B c.1291G>A (p.Ala431Thr) results in a non-conservative amino acid change in the encoded protein sequence. Three of five in-silico tools predict a damaging effect of the variant on protein function. The variant allele was found at a frequency of 0.00038 in 251358 control chromosomes in GnomAD. c.1291G>A has not been reported in the literature in individuals affected with Frank-Ter Haar Syndrome, however, it has been reported as a non-informative genotype (zygosity/second allele not specified) in an individual with Axenfeld-Reiger syndrome (Mao_2012), which has an overlapping clinical spectrum with Frank-Ter Haar Syndrome. Statistical analysis failed to support a pathogenic role for SH3PXD2B variants in three forms of glaucoma, namely primary congenital glaucoma, Axenfeld-Rieger syndrome and primary open angle glaucoma as reported in this study. These report(s) do not provide unequivocal conclusions about association of the variant with Frank-Ter Haar Syndrome and/or SH3PXD2B-spectrum of disorders. To our knowledge, no experimental evidence demonstrating an impact on protein function has been reported. The following publication has been ascertained in the context of this evaluation (PMID: 22509100). Three clinical diagnostic laboratories have submitted clinical-significance assessments for this variant to ClinVar after 2014 without evidence for independent evaluation and all classified the variant as uncertain significance. Based on the evidence outlined above, the variant was classified as uncertain significance.

Labcorp Genetics (formerly Invitae), Labcorp
Classification: Uncertain significance. Last evaluated: 2022-08-03. Review status: criteria provided, single submitter. Criteria: Invitae Variant Classification Sherloc (09022015). Collection method: clinical testing. Allele origin: germline.
Comment: This sequence change replaces alanine, which is neutral and non-polar, with threonine, which is neutral and polar, at codon 431 of the SH3PXD2B protein (p.Ala431Thr). This variant is present in population databases (rs142779141, gnomAD 0.06%). This variant has not been reported in the literature in individuals affected with SH3PXD2B-related conditions. ClinVar contains an entry for this variant (Variation ID: 194189). Algorithms developed to predict the effect of missense changes on protein structure and function (SIFT, PolyPhen-2, Align-GVGD) all suggest that this variant is likely to be disruptive. In summary, the available evidence is currently insufficient to determine the role of this variant in disease. Therefore, it has been classified as a Variant of Uncertain Significance.

Illumina Laboratory Services, Illumina
Classification: Uncertain significance for Frank-Ter Haar syndrome. Last evaluated: 2017-04-27. Review status: criteria provided, single submitter. Criteria: ICSL Variant Classification Criteria 13 December 2019. Collection method: clinical testing. Allele origin: germline.

Eurofins Ntd Llc (ga)
Classification: Uncertain significance. Last evaluated: 2015-02-06. Review status: criteria provided, single submitter. Criteria: EGL Classification Definitions 2015. Collection method: clinical testing. Allele origin: germline. Observed: 1 variant allele, 1 heterozygote.

Literature cited by the submitters: PubMed 22509100 (cited by Women's Health and Genetics/Laboratory Corporation of America, LabCorp).